The following is an entry in ClinVar:

ClinVar aggregate classification (germline): Benign (3 of 4 stars; one submission).

Conditions:
Breast-ovarian cancer, familial, susceptibility to, 1 (BROVCA1). Also called: BRCA1 Hereditary Breast and Ovarian Cancer; OVARIAN CANCER, SUSCEPTIBILITY TO. Identifiers: Orphanet 145, MedGen C2676676, MONDO:0011450, OMIM 604370. Disease mechanism: loss of function.

Allele frequency attached by ClinVar (database versions not stated): gnomAD exomes 0.43750; gnomAD 0.44788 and 0.45042; 1000 Genomes Project 0.49720; 1000 Genomes Project 30x 0.50156.

Submission:

Evidence-based Network for the Interpretation of Germline Mutant Alleles (ENIGMA)
Classification: Benign for Breast-ovarian cancer, familial, susceptibility to, 1. Last evaluated: 2016-09-28. Review status: reviewed by expert panel. Criteria: ENIGMA BRCA1/2 Classification Criteria (2015). Collection method: curation. Allele origin: germline.
Comment: Class 1 not pathogenic based on frequency >1% in an outbred sampleset. Frequency 0.3598 (European), 0.7292 (African), 0.402 (Admixed American/Latino), 0.3671 (East Asian), 0.5266 (South Asian), derived from 1000 genomes (2013-05-02).

NM_007294.4(BRCA1):c.134+2983_134+2987del

Gene: BRCA1 (BRCA1 DNA repair associated; minus strand). Cytogenetic location: 17q21.31.
Variant type: Deletion.
Coding change: c.134+2983_134+2987del on transcript NM_007294.4 (MANE Select); bases 2983 to 2987 of the intron after coding-DNA position 134, 5 bases deleted (GTTTC; older notation c.134+2983_134+2987delGTTTC).
Molecular consequence: intron variant.
Genome position (GRCh38, 1-based): chr17:43,112,739-43,112,743, GAAAC deleted on the plus strand (GTTTC on the coding strand, the reverse complement: BRCA1 is on the minus strand). VCF-style (leftmost placement, unchanged base first): chr17-43112738-TGAAAC-T. GRCh37 (hg19) VCF-style: chr17-41264755-TGAAAC-T.
Other names: c.-8+2983_-8+2987del (NM_001408458.1, NM_001408470.1, NM_001407848.1 and 47 more transcripts); c.-219+12534_-219+12538del (NM_001407967.1); c.-169-7787_-169-7783del (NM_001407959.1, NM_001407963.1); c.-7-6210_-7-6206del (NM_001407931.1, NM_001407747.1, NM_001408461.1 and 30 more transcripts); c.-170+2983_-170+2987del (NM_001407962.1, NM_001408512.1, NM_001408510.1 and 1 more transcripts); c.-55+2983_-55+2987del (NM_001407885.1, NM_001407886.1, NM_001408509.1 and 52 more transcripts); c.-123-2163_-123-2159del (NM_001407746.1, NM_001408468.1, NM_001407842.1 and 13 more transcripts); c.134+2983_134+2987del (NM_001407686.1, NM_001408397.1, NM_001407632.1 and 191 more transcripts); and 9 more.
Identifiers: ClinVar variation 264846 (VCV000264846.2), dbSNP rs67177158, ClinGen allele CA10588251.